The following is an entry in ClinVar:

ClinVar aggregate classification (germline): Conflicting classifications of pathogenicity. Review status: criteria provided, conflicting classifications (1 of 4 stars). 2 submissions from 2 submitters: Pathogenic (1); Uncertain significance (1). Last evaluated 2024-11-25.

Conditions:
ABCA3-related disorder. Also called: ABCA3-related condition.

gnomAD v4.1: 4 of 1,612,546 alleles (0.00025%); highest among the groups gnomAD compares: Non-Finnish European, 0.00025%; no homozygotes.

Submissions (2):

Women's Health and Genetics/Laboratory Corporation of America, LabCorp
Classification: Uncertain significance. Last evaluated: 2024-11-25. Review status: criteria provided, single submitter. Criteria: LabCorp Variant Classification Summary - May 2015. Collection method: clinical testing. Allele origin: germline.
Comment: Variant summary: ABCA3 c.2068G>A (p.Glu690Lys) results in a conservative amino acid change located in the ATP-binding cassette, ABC transporter-type domain profile (IPR003439) of the encoded protein sequence. Four of five in-silico tools predict a damaging effect of the variant on protein function. The variant was absent in 250602 control chromosomes. c.2068G>A has been reported in the literature in two compound heterozygous individuals in a single family affected with Pediatric Interstitial Lung Disease (Bullard_2005). These data indicate that the variant may be associated with disease. At least one publication reports experimental evidence evaluating an impact on protein function. The most pronounced variant effect results in severely impaired lipid transport and reduced ADP release compared to those of wild type protein in an in vitro cellular assay (Matsumura_2008). No submitters have cited clinical-significance assessments for this variant to ClinVar. Based on the evidence outlined above, the variant was classified as VUS-possibly pathogenic.

Blueprint Genetics
Classification: Pathogenic for ABCA3-related disorders. Last evaluated: 2021-06-18. Review status: criteria provided, single submitter. Criteria: ACMG Guidelines, 2015. Collection method: clinical testing. Allele origin: germline. Affected: yes. Observed: 2 variant alleles.

Literature cited by the submitters: PubMed 15976379 (cited by Women's Health and Genetics/Laboratory Corporation of America, LabCorp); PubMed 18676873 (cited by Women's Health and Genetics/Laboratory Corporation of America, LabCorp).

NM_001089.3(ABCA3):c.2068G>A (p.Glu690Lys)

Gene: ABCA3 (ATP binding cassette subfamily A member 3; minus strand). Cytogenetic location: 16p13.3.
Variant type: single nucleotide variant.
Coding change: c.2068G>A on transcript NM_001089.3 (MANE Select); coding-DNA position 2068, G replaced by A.
Protein change: p.Glu690Lys; replaces glutamic acid 690 with lysine.
Molecular consequence: missense variant.
Genome position (GRCh38, 1-based): chr16:2,297,524, C>T on the plus strand (G>A on the coding strand, the complement: ABCA3 is on the minus strand). VCF-style: chr16-2297524-C-T. GRCh37 (hg19) VCF-style: chr16-2347525-C-T.
Other names: short protein forms E690K.
Identifiers: ClinVar variation 3629580 (VCV003629580.3).
Genomic context (GRCh38, chr16:2,297,524, plus strand): 5'-GCCGCTGAAGAAGATCCCAGATGGCCCTCCTGGAGATGGCGTCCATGCCCGAGGTGGGCT[C>T]GTCCAGTATCAGCACCTGGAGGGAGAGACACAGTCTCGCGACGCTGGTAGAGCCACACCC-3'
Protein context (NP_001080.2, residues 680-700): IAGSKVLILD[Glu690Lys]PTSGMDAISR